The following is an entry in ClinVar:

ClinVar aggregate classification (germline): Uncertain significance (1 of 4 stars; one submission).

Submission:

CeGaT Center for Human Genetics Tuebingen
Classification: Uncertain significance. Last evaluated: 2022-08-01. Review status: criteria provided, single submitter. Criteria: CeGaT Center For Human Genetics Tuebingen Variant Classification Criteria Version 2. Collection method: clinical testing. Allele origin: germline. Affected: yes. Observed: 1 variant allele.
Comment: TSC1: PM2, BP4

NM_000368.5(TSC1):c.3394C>A (p.Pro1132Thr)

Gene: TSC1 (TSC complex subunit 1; minus strand). Cytogenetic location: 9q34.13.
Variant type: single nucleotide variant.
Coding change: c.3394C>A on transcript NM_000368.5 (MANE Select); coding-DNA position 3394, C replaced by A.
Protein change: p.Pro1132Thr; replaces proline 1132 with threonine.
Molecular consequence: missense variant.
Genome position (GRCh38, 1-based): chr9:132,896,336, G>T on the plus strand (C>A on the coding strand, the complement: TSC1 is on the minus strand). VCF-style: chr9-132896336-G-T. GRCh37 (hg19) VCF-style: chr9-135771723-G-T.
Other names: c.3391C>A, p.Pro1131Thr (NM_001162426.2, NM_001406597.1, NM_001406598.1 and 2 more transcripts); c.3241C>A, p.Pro1081Thr (NM_001162427.2, NM_001406610.1); c.3031C>A, p.Pro1011Thr (NM_001362177.2, NM_001406614.1, NM_001406615.1 and 4 more transcripts); c.3394C>A, p.Pro1132Thr (NM_001406592.1, NM_001406593.1, NM_001406594.1 and 2 more transcripts); c.3349C>A, p.Pro1117Thr (NM_001406608.1, NM_001406609.1); c.3238C>A, p.Pro1080Thr (NM_001406611.1, NM_001406612.1); c.3196C>A, p.Pro1066Thr (NM_001406613.1); c.2440C>A, p.Pro814Thr (NM_001406627.1, NM_001406628.1); and 8 more; short protein forms P1010T, P1011T, P1066T, P1080T, P1081T, P1117T, P1118T, P1126T.
Identifiers: ClinVar variation 1711696 (VCV001711696.30), dbSNP rs1249897804, ClinGen allele CA375366462.